The following is an entry in ClinVar:

NM_198576.4(AGRN):c.4639G>A (p.Glu1547Lys)

Gene: AGRN (agrin; plus strand). Cytogenetic location: 1p36.33.
Variant type: single nucleotide variant.
Coding change: c.4639G>A on transcript NM_198576.4 (MANE Select); coding-DNA position 4639, G replaced by A.
Protein change: p.Glu1547Lys; replaces glutamic acid 1547 with lysine.
Molecular consequence: missense variant.
Genome position (GRCh38, 1-based): chr1:1,049,690, G>A. VCF-style: chr1-1049690-G-A. GRCh37 (hg19) VCF-style: chr1-985070-G-A.
Other names: p.Glu1547Lys; c.4639G>A (LRG_198t1); c.4639G>A, p.Glu1547Lys (NM_001305275.2); c.4324G>A, p.Glu1442Lys (NM_001364727.2); short protein forms E1547K, E1442K.
Identifiers: ClinVar variation 252808 (VCV000252808.62), dbSNP rs2799068, ClinGen allele CA509558.

ClinVar aggregate classification (germline): Conflicting classifications of pathogenicity. Review status: criteria provided, conflicting classifications (1 of 4 stars). 8 submissions from 8 submitters: Uncertain significance (3); Likely benign (4). 1 of the submissions does not count toward it. Last evaluated 2026-02-01.

Conditions:
AGRN-related disorder. Also called: AGRN-related condition.
Congenital myasthenic syndrome 8. Also called: MYASTHENIC SYNDROME, CONGENITAL, DUE TO AGRIN DEFICIENCY; Myasthenic syndrome, congenital, 8, with pre- and postsynaptic defects. Identifiers: Orphanet 590, MedGen C3808739, MONDO:0014052, OMIM 615120.

Allele frequency attached by ClinVar (database versions not stated): 1000 Genomes Project 0.00080; 1000 Genomes Project 30x 0.00141; TOPMed 0.00259; gnomAD exomes 0.00276 and 0.00391; gnomAD 0.00278 and 0.00284; ESP Exome Variant Server 0.00284; ExAC 0.00498.
gnomAD v4.1: 5,877 of 1,573,394 alleles (0.37%); highest among the groups gnomAD compares: Non-Finnish European, 0.47%; 23 homozygotes.

Submissions (10):

Labcorp Genetics (formerly Invitae), Labcorp
Classification: Likely benign for Congenital myasthenic syndrome 8. Last evaluated: 2026-02-01. Review status: criteria provided, single submitter. Criteria: Invitae Variant Classification Sherloc (09022015). Collection method: clinical testing. Allele origin: germline.

Blueprint Genetics
Classification: Likely benign. Last evaluated: 2024-11-26. Review status: criteria provided, single submitter. Criteria: ACMG Guidelines, 2015. Collection method: clinical testing. Allele origin: germline.

CeGaT Center for Human Genetics Tuebingen
Classification: Likely benign. Last evaluated: 2024-08-01. Review status: criteria provided, single submitter. Criteria: CeGaT Center For Human Genetics Tuebingen Variant Classification Criteria Version 2. Collection method: clinical testing. Allele origin: germline. Affected: yes. Observed: 6 variant alleles.
Comment: AGRN: BS2

Mayo Clinic Laboratories, Mayo Clinic
Classification: Uncertain significance. Last evaluated: 2023-08-17. Review status: criteria provided, single submitter. Criteria: ACMG Guidelines, 2015. Collection method: clinical testing. Allele origin: germline. Observed: 1 variant allele.
Comment: BS1

GeneDx
Classification: Likely benign. Last evaluated: 2020-10-05. Review status: criteria provided, single submitter. Criteria: GeneDx Variant Classification Process June 2021. Collection method: clinical testing. Allele origin: germline. Affected: yes.
Comment: In silico analysis supports that this missense variant has a deleterious effect on protein structure/function; This variant is associated with the following publications: (PMID: 24791904)

Genetic Services Laboratory, University of Chicago
Classification: Uncertain significance. Last evaluated: 2015-09-21. Review status: criteria provided, single submitter. Criteria: ACMG Guidelines, 2015. Collection method: clinical testing. Allele origin: germline. Affected: no.

Genomic Diagnostic Laboratory, Division of Genomic Diagnostics, Children's Hospital of Philadelphia
Classification: Uncertain significance. Last evaluated: 2015-09-18. Review status: criteria provided, single submitter. Criteria: DGD Variant Analysis Guidelines. Collection method: clinical testing. Allele origin: unknown.

PreventionGenetics, part of Exact Sciences
Classification: Likely benign for AGRN-related condition. Last evaluated: 2020-03-24. Review status: no assertion criteria provided. Collection method: clinical testing. Allele origin: germline. Not counted in ClinVar's aggregate classification.
Comment: This variant is classified as likely benign based on ACMG/AMP sequence variant interpretation guidelines (Richards et al. 2015 PMID: 25741868, with internal and published modifications).

Dr. Peter K. Rogan Lab, Western University
No classification provided (evidence only). Condition: Cervical cancer. Review status: no classification provided. Collection method: in vitro. Allele origin: not applicable. Functional consequence: skipped exon. Not counted in ClinVar's aggregate classification.

Dr. Peter K. Rogan Lab, Western University
No classification provided (evidence only). Condition: Uterine carcinosarcoma. Review status: no classification provided. Collection method: in vitro. Allele origin: not applicable. Functional consequence: retained intron. Not counted in ClinVar's aggregate classification.